The following is an entry in ClinVar:

NM_024422.6(DSC2):c.1909T>C (p.Tyr637His)

Gene: DSC2 (desmocollin 2; minus strand). Cytogenetic location: 18q12.1.
Variant type: single nucleotide variant.
Coding change: c.1909T>C on transcript NM_024422.6 (MANE Select); coding-DNA position 1909, T replaced by C.
Protein change: p.Tyr637His; replaces tyrosine 637 with histidine.
Molecular consequence: missense variant.
Genome position (GRCh38, 1-based): chr18:31,071,821, A>G on the plus strand (T>C on the coding strand, the complement: DSC2 is on the minus strand). VCF-style: chr18-31071821-A-G. GRCh37 (hg19) VCF-style: chr18-28651787-A-G.
Other names: c.1480T>C, p.Tyr494His (NM_001406506.1, NM_001406507.1); c.1909T>C, p.Tyr637His (NM_004949.5); short protein forms Y494H, Y637H.
Identifiers: ClinVar variation 3386518 (VCV003386518.1).
Genomic context (GRCh38, chr18:31,071,821, plus strand): 5'-CAAGTCTATCTCTCACTGTTATAGGTACTACATATGAGCCAAATGGAGGATCATTCTGAT[A>G]GGAAAGACGTGCTGCTGTATCTGAAAATATAAATAAATAAAACCAAACATTATACAATGT-3'
Protein context (NP_077740.1, residues 627-647): AINDTAARLS[Tyr637His]QNDPPFGSYV

ClinVar aggregate classification (germline): Uncertain significance (1 of 4 stars; one submission).

Conditions:
Familial isolated arrhythmogenic right ventricular dysplasia. Identifiers: Orphanet 217656, MedGen C4274968, MONDO:0016342.

Submission:

All of Us Research Program, National Institutes of Health
Classification: Uncertain significance for Familial isolated arrhythmogenic right ventricular dysplasia. Last evaluated: 2024-07-10. Review status: criteria provided, single submitter. Criteria: ACMG Guidelines, 2015. Collection method: clinical testing. Allele origin: germline. Inheritance: Autosomal dominant inheritance. Observed: 1 variant allele, 1 heterozygote.
Comment: This missense variant replaces tyrosine with histidine at codon 637 of the DSC2 protein. Computational prediction suggests that this variant may not impact protein structure and function (internally defined REVEL score threshold <= 0.5, PMID: 27666373). To our knowledge, functional studies have not been reported for this variant. This variant has not been reported in individuals affected with DSC2-related disorders in the literature. This variant has not been identified in the general population by the Genome Aggregation Database (gnomAD). The available evidence is insufficient to determine the role of this variant in disease conclusively. Therefore, this variant is classified as a Variant of Uncertain Significance.

This study involves interpretation of variants in research participants for the purpose of population health screening. Participant phenotype was not available at the time of variant classification. Additional details can be found in publication PMID: 35346344, PMCID: PMC8962531